The following is an entry in ClinVar:

NM_003480.4(MFAP5):c.415C>A (p.Leu139Ile)

Genes: MFAP5 (microfibril associated protein 5; minus strand), LOC126861443 (BRD4-independent group 4 enhancer GRCh37_chr12:8800473-8801672; plus strand). Cytogenetic location: 12p13.31.
Variant type: single nucleotide variant.
Coding change: c.415C>A on transcript NM_003480.4 (MANE Select); coding-DNA position 415, C replaced by A.
Protein change: p.Leu139Ile; replaces leucine 139 with isoleucine.
Molecular consequence: missense variant. On other transcripts: non-coding transcript variant (2).
Genome position (GRCh38, 1-based): chr12:8,648,198, G>T on the plus strand (C>A on the coding strand, the complement: MFAP5 is on the minus strand). VCF-style: chr12-8648198-G-T. GRCh37 (hg19) VCF-style: chr12-8800794-G-T.
Other names: c.385C>A, p.Leu129Ile (NM_001297709.2); c.349C>A, p.Leu117Ile (NM_001297710.2); c.340C>A, p.Leu114Ile (NM_001297711.2); c.223C>A, p.Leu75Ile (NM_001297712.2); c.415C>A (NM_003480.2); short protein forms L114I, L139I, L75I, L117I, L129I.
Identifiers: ClinVar variation 1924913 (VCV001924913.6), dbSNP rs1002670480, ClinGen allele CA384038793.
Genomic context (GRCh38, chr12:8,648,198, plus strand): 5'-GTCGGAAGTAATTGGAGCGACGGAGTCTCCTAGGGGGCAGACCAGCCATCTGACGGCAAA[G>T]CTCATCTAGAAGAGAAGCAGAACATCATGGGAAGAGAATGCAGAAGATAACAAAGGCTCT-3'
Protein context (NP_003471.1, residues 129-149): CKEHEAMKDE[Leu139Ile]CRQMAGLPPR

ClinVar aggregate classification (germline): Uncertain significance. Review status: criteria provided, multiple submitters, no conflicts (2 of 4 stars). 2 submissions from 2 submitters: Uncertain significance (2). Last evaluated 2025-08-23.

Conditions:
Cardiovascular phenotype. Identifiers: MedGen CN230736.

gnomAD v4.1: 6 of 1,612,062 alleles (0.00037%); highest among the groups gnomAD compares: Admixed American, 0.005%; no homozygotes.

Submissions (2):

Ambry Genetics
Classification: Uncertain significance for Cardiovascular phenotype. Last evaluated: 2025-08-23. Review status: criteria provided, single submitter. Criteria: Ambry Variant Classification Scheme 2023. Collection method: clinical testing. Allele origin: germline.

Labcorp Genetics (formerly Invitae), Labcorp
Classification: Uncertain significance. Last evaluated: 2022-08-30. Review status: criteria provided, single submitter. Criteria: Invitae Variant Classification Sherloc (09022015). Collection method: clinical testing. Allele origin: germline.
Comment: This sequence change replaces leucine, which is neutral and non-polar, with isoleucine, which is neutral and non-polar, at codon 139 of the MFAP5 protein (p.Leu139Ile). This variant is not present in population databases (gnomAD no frequency). This variant has not been reported in the literature in individuals affected with MFAP5-related conditions. Algorithms developed to predict the effect of missense changes on protein structure and function output the following: SIFT: "Tolerated"; PolyPhen-2: "Benign"; Align-GVGD: "Class C0". The isoleucine amino acid residue is found in multiple mammalian species, which suggests that this missense change does not adversely affect protein function. In summary, the available evidence is currently insufficient to determine the role of this variant in disease. Therefore, it has been classified as a Variant of Uncertain Significance.